The following is an entry in ClinVar:

NM_001350451.2(RBFOX3):c.676C>A (p.His226Asn)

Gene: RBFOX3 (RNA binding fox-1 homolog 3; minus strand). Cytogenetic location: 17q25.3.
Variant type: single nucleotide variant.
Coding change: c.676C>A on transcript NM_001350451.2 (MANE Select); coding-DNA position 676, C replaced by A.
Protein change: p.His226Asn; replaces histidine 226 with asparagine.
Molecular consequence: missense variant.
Genome position (GRCh38, 1-based): chr17:79,097,371, G>T on the plus strand (C>A on the coding strand, the complement: RBFOX3 is on the minus strand). VCF-style: chr17-79097371-G-T. GRCh37 (hg19) VCF-style: chr17-77093453-G-T.
Other names: c.676C>A, p.His226Asn (NM_001082575.3, NM_001350453.2, NM_001385804.1 and 33 more transcripts); c.673C>A, p.His225Asn (NM_001385806.1, NM_001385822.1, NM_001385823.1 and 4 more transcripts); c.583C>A, p.His195Asn (NM_001385824.1); c.697C>A, p.His233Asn (NM_001385827.1); c.529C>A, p.His177Asn (NM_001385847.1); short protein forms H233N, H177N, H195N, H225N, H226N.
Identifiers: ClinVar variation 1388209 (VCV001388209.6), dbSNP rs2146312862, ClinGen allele CA401316510.
Genomic context (GRCh38, chr17:79,097,371, plus strand): 5'-GGGGTGGGGGTGGCGCAGCCCGAAATGTATTATACACGGCCCGGCCCCGGCCCCGAAGAT[G>T]TGCGCCCCGGTAGGCAACGGCTGTGCCGGTGGTGGGGTAGGGGAACCCCGTCACTGCAGG-3'
Protein context (NP_001337380.1, residues 216-236): TGTAVAYRGA[His226Asn]LRGRGRAVYN

ClinVar aggregate classification (germline): Uncertain significance (1 of 4 stars; one submission).

Conditions:
Idiopathic generalized epilepsy. Also called: Generalised epilepsy; EIG. Identifiers: MedGen C0270850, MONDO:0005579, OMIM 600669.

Allele frequency attached by ClinVar (database versions not stated): gnomAD exomes below 0.00001.
gnomAD v4.1: 5 of 1,548,490 alleles (0.00032%); highest among the groups gnomAD compares: Non-Finnish European, 0.00044%; no homozygotes.

Submission:

Labcorp Genetics (formerly Invitae), Labcorp
Classification: Uncertain significance for Idiopathic generalized epilepsy. Last evaluated: 2021-10-20. Review status: criteria provided, single submitter. Criteria: Invitae Variant Classification Sherloc (09022015). Collection method: clinical testing. Allele origin: germline.
Comment: In summary, the available evidence is currently insufficient to determine the role of this variant in disease. Therefore, it has been classified as a Variant of Uncertain Significance. Algorithms developed to predict the effect of missense changes on protein structure and function (SIFT, PolyPhen-2, Align-GVGD) all suggest that this variant is likely to be tolerated. This variant has not been reported in the literature in individuals affected with RBFOX3-related conditions. The frequency data for this variant in the population databases is considered unreliable, as metrics indicate insufficient coverage at this position in the ExAC database. This sequence change replaces histidine with asparagine at codon 226 of the RBFOX3 protein (p.His226Asn). The histidine residue is highly conserved and there is a small physicochemical difference between histidine and asparagine.